The following is an entry in ClinVar:

NM_024529.5(CDC73):c.737C>G (p.Ser246Cys)

Gene: CDC73 (cell division cycle 73; plus strand). Cytogenetic location: 1q31.2.
Variant type: single nucleotide variant.
Coding change: c.737C>G on transcript NM_024529.5 (MANE Select); coding-DNA position 737, C replaced by G.
Protein change: p.Ser246Cys; replaces serine 246 with cysteine.
Molecular consequence: missense variant.
Genome position (GRCh38, 1-based): chr1:193,147,874, C>G. VCF-style: chr1-193147874-C-G. GRCh37 (hg19) VCF-style: chr1-193117004-C-G.
Other names: short protein forms S246C.
Identifiers: ClinVar variation 4631544 (VCV004631544.1).

ClinVar aggregate classification (germline): Uncertain significance (1 of 4 stars; one submission).

Conditions:
Hereditary cancer-predisposing syndrome. Also called: Neoplastic Syndromes, Hereditary; Tumor predisposition; Hereditary Cancer Syndrome; Hereditary neoplastic syndrome. Identifiers: Orphanet 140162, MedGen C0027672, MeSH D009386, MONDO:0015356.

Submission:

Ambry Genetics
Classification: Uncertain significance for Hereditary cancer-predisposing syndrome. Last evaluated: 2025-10-10. Review status: criteria provided, single submitter. Criteria: Ambry Variant Classification Scheme 2023. Collection method: clinical testing. Allele origin: germline.
Comment: The p.S246C variant (also known as c.737C>G), located in coding exon 8 of the CDC73 gene, results from a C to G substitution at nucleotide position 737. The serine at codon 246 is replaced by cysteine, an amino acid with dissimilar properties. This amino acid position is conserved. In addition, this alteration is predicted to be tolerated by in silico analysis. Based on the available evidence, the clinical significance of this variant remains unclear.